The following is an entry in ClinVar:

ClinVar aggregate classification (germline): Uncertain significance (1 of 4 stars; one submission).

Conditions:
Neurofibromatosis, type 1 (NF1). Also called: Peripheral type neurofibromatosis; VON RECKLINGHAUSEN DISEASE; Neurofibromatosis, type I; NEUROFIBROMATOSIS, TYPE I, SOMATIC. Identifiers: Orphanet 636, MedGen C0027831, MONDO:0018975, OMIM 162200. Disease mechanism: loss of function.

Submission:

Labcorp Genetics (formerly Invitae), Labcorp
Classification: Uncertain significance for Neurofibromatosis, type 1. Last evaluated: 2020-01-16. Review status: criteria provided, single submitter. Criteria: Invitae Variant Classification Sherloc (09022015). Collection method: clinical testing. Allele origin: germline.
Comment: Algorithms developed to predict the effect of missense changes on protein structure and function are either unavailable or do not agree on the potential impact of this missense change (SIFT: "Deleterious"; PolyPhen-2: "Probably Damaging"; Align-GVGD: "Class C0"). In summary, the available evidence is currently insufficient to determine the role of this variant in disease. Therefore, it has been classified as a Variant of Uncertain Significance. This variant has not been reported in the literature in individuals with NF1-related conditions. This variant is not present in population databases (ExAC no frequency). This sequence change replaces lysine with asparagine at codon 2515 of the NF1 protein (p.Lys2515Asn). The lysine residue is moderately conserved and there is a moderate physicochemical difference between lysine and asparagine.

NM_001042492.3(NF1):c.7608G>T (p.Lys2536Asn)

Gene: NF1 (neurofibromin 1; plus strand). Cytogenetic location: 17q11.2.
Variant type: single nucleotide variant.
Coding change: c.7608G>T on transcript NM_001042492.3 (MANE Select); coding-DNA position 7608, G replaced by T.
Protein change: p.Lys2536Asn; replaces lysine 2536 with asparagine.
Molecular consequence: missense variant.
Genome position (GRCh38, 1-based): chr17:31,352,407, G>T. VCF-style: chr17-31352407-G-T. GRCh37 (hg19) VCF-style: chr17-29679425-G-T.
Other names: c.7545G>T, p.Lys2515Asn (NM_000267.4); short protein forms K2536N, K2515N.
Identifiers: ClinVar variation 843995 (VCV000843995.6), dbSNP rs1597862283, ClinGen allele CA399017875.